The following is an entry in ClinVar:

NM_005068.3(SIM1):c.1312C>G (p.Gln438Glu)

Genes: SIM1 (SIM bHLH transcription factor 1; minus strand), SIM1-AS1 (SIM1 antisense RNA 1; plus strand). Cytogenetic location: 6q16.3.
Variant type: single nucleotide variant.
Coding change: c.1312C>G on transcript NM_005068.3 (MANE Select); coding-DNA position 1312, C replaced by G.
Protein change: p.Gln438Glu; replaces glutamine 438 with glutamic acid.
Molecular consequence: missense variant. On other transcripts: non-coding transcript variant (1).
Genome position (GRCh38, 1-based): chr6:100,393,745, G>C on the plus strand (C>G on the coding strand, the complement: SIM1 is on the minus strand). VCF-style: chr6-100393745-G-C. GRCh37 (hg19) VCF-style: chr6-100841621-G-C.
Other names: c.1312C>G, p.Gln438Glu (NM_001374769.1); short protein forms Q438E.
Identifiers: ClinVar variation 3032297 (VCV003032297.4), dbSNP rs770157245, ClinGen allele CA3937048.

ClinVar aggregate classification (germline): Uncertain significance. Review status: criteria provided, multiple submitters, no conflicts (2 of 4 stars). 2 submissions from 2 submitters: Uncertain significance (2). Last evaluated 2026-05-21.

Conditions:
SIM1-related disorder. Also called: SIM1-related condition; SIM1-related disorders.

Allele frequency attached by ClinVar (database versions not stated): gnomAD 0.00001; ExAC 0.00002; TOPMed 0.00005.
gnomAD v4.1: 19 of 1,614,138 alleles (0.0012%); highest among the groups gnomAD compares: Admixed American, 0.0033%; no homozygotes.

Submissions (2):

PreventionGenetics, part of Exact Sciences
Classification: Uncertain significance for SIM1-related condition. Last evaluated: 2026-05-21. Review status: criteria provided, single submitter. Criteria: ACMG Guidelines, 2015. Collection method: clinical testing. Allele origin: germline.
Comment: The SIM1 c.1312C>G variant is predicted to result in the amino acid substitution p.Gln438Glu. To our knowledge, this variant has not been reported in the literature. This variant is reported in 0.0056% of alleles in individuals of Latino descent in gnomAD. At this time, the clinical significance of this variant is uncertain due to the absence of conclusive functional and genetic evidence.

Labcorp Genetics (formerly Invitae), Labcorp
Classification: Uncertain significance. Last evaluated: 2025-08-11. Review status: criteria provided, single submitter. Criteria: Invitae Variant Classification Sherloc (09022015). Collection method: clinical testing. Allele origin: germline.
Comment: This sequence change replaces glutamine, which is neutral and polar, with glutamic acid, which is acidic and polar, at codon 438 of the SIM1 protein (p.Gln438Glu). This variant is present in population databases (rs770157245, gnomAD 0.006%). This variant has not been reported in the literature in individuals affected with SIM1-related conditions. ClinVar contains an entry for this variant (Variation ID: 3032297). An algorithm developed to predict the effect of missense changes on protein structure and function (PolyPhen-2) suggests that this variant is likely to be tolerated. In summary, the available evidence is currently insufficient to determine the role of this variant in disease. Therefore, it has been classified as a Variant of Uncertain Significance.